The following is an entry in ClinVar:

NM_017934.7(PHIP):c.3141C>A (p.Asp1047Glu)

Genes: IRAK1BP1 (interleukin 1 receptor associated kinase 1 binding protein 1; plus strand), PHIP (PHIP subunit of CUL4-Ring ligase complex; minus strand). Cytogenetic location: 6q14.1.
Variant type: single nucleotide variant.
Coding change: c.3141C>A on transcript NM_017934.7 (MANE Select); coding-DNA position 3141, C replaced by A.
Protein change: p.Asp1047Glu; replaces aspartic acid 1047 with glutamic acid.
Molecular consequence: missense variant.
Genome position (GRCh38, 1-based): chr6:78,969,899, G>T on the plus strand (C>A on the coding strand, the complement: PHIP is on the minus strand). VCF-style: chr6-78969899-G-T. GRCh37 (hg19) VCF-style: chr6-79679616-G-T.
Other names: short protein forms D1047E.
Identifiers: ClinVar variation 5020432 (VCV005020432.1).

ClinVar aggregate classification (germline): Uncertain significance (1 of 4 stars; one submission).

Submission:

Dasa
Classification: Uncertain significance. Last evaluated: 2026-06-05. Review status: criteria provided, single submitter. Criteria: DASA Assertion Criteria. Collection method: clinical testing. Allele origin: germline.
Comment: NM_017934.7(PHIP):c.3141C>A (p.Asp1047Glu) is a missense variant that results in the substitution of aspartic acid with glutamic acid. This variant is rare in population databases. The currently available literature and clinical evidence are not sufficient to establish a definitive association between this variant and the reported condition. Therefore, this variant is classified as a variant of uncertain significance.